The following is an entry in ClinVar:

ClinVar aggregate classification (germline): Benign. Review status: criteria provided, multiple submitters, no conflicts (2 of 4 stars). 8 submissions from 8 submitters: Benign (6). 2 of the submissions do not count toward it. Last evaluated 2026-02-04.

Conditions:
Nemaline myopathy 2 (NEM2). Also called: Nemaline myopathy 2, autosomal recessive. Identifiers: MedGen C1850569, MONDO:0009725, OMIM 256030.

Allele frequency attached by ClinVar (database versions not stated): gnomAD exomes 0.00109 and 0.00305; ExAC 0.00375; ESP Exome Variant Server 0.01055; gnomAD 0.01179 and 0.01264; TOPMed 0.01340; 1000 Genomes Project 0.01478; 1000 Genomes Project 30x 0.01640.
gnomAD v4.1: 3,473 of 1,613,924 alleles (0.22%); highest among the groups gnomAD compares: African/African-American, 4%; 71 homozygotes.

Submissions (8):

Labcorp Genetics (formerly Invitae), Labcorp
Classification: Benign for Nemaline myopathy 2. Last evaluated: 2026-02-04. Review status: criteria provided, single submitter. Criteria: Invitae Variant Classification Sherloc (09022015). Collection method: clinical testing. Allele origin: germline.

Illumina Laboratory Services, Illumina
Classification: Benign for Nemaline myopathy 2. Last evaluated: 2018-01-12. Review status: criteria provided, single submitter. Criteria: ICSL Variant Classification Criteria 13 December 2019. Collection method: clinical testing. Allele origin: germline.
Comment: This variant was observed in the ICSL laboratory as part of a predisposition screen in an ostensibly healthy population. It had not been previously curated by ICSL or reported in the Human Gene Mutation Database (HGMD: prior to June 1st, 2018), and was therefore a candidate for classification through an automated scoring system. Utilizing variant allele frequency, disease prevalence and penetrance estimates, and inheritance mode, an automated score was calculated to assess if this variant is too frequent to cause the disease. Based on the score and internal cut-off values, a variant classified as benign is not then subjected to further curation. The score for this variant resulted in a classification of benign for this disease.

Eurofins Ntd Llc (ga)
Classification: Benign. Last evaluated: 2016-08-23. Review status: criteria provided, single submitter. Criteria: EGL Classification Definitions 2015. Collection method: clinical testing. Allele origin: germline. Observed: 1 variant allele, 1 heterozygote.

GeneDx
Classification: Benign. Last evaluated: 2016-08-08. Review status: criteria provided, single submitter. Criteria: GeneDx Variant Classification (06012015). Collection method: clinical testing. Allele origin: germline. Affected: yes.
Comment: This variant is considered likely benign or benign based on one or more of the following criteria: it is a conservative change, it occurs at a poorly conserved position in the protein, it is predicted to be benign by multiple in silico algorithms, and/or has population frequency not consistent with disease.

Laboratory for Molecular Medicine, Mass General Brigham Personalized Medicine
Classification: Benign. Last evaluated: 2015-01-13. Review status: criteria provided, single submitter. Criteria: LMM Criteria. Collection method: clinical testing. Allele origin: germline. Observed: 1 variant allele.
Comment: p.Asp2864Asp in exon 61 of NEB: This variant is not expected to have clinical si gnificance because it does not alter an amino acid residue and is not located wi thin the splice consensus sequence. It has been identified in 3.2% (134/4242) of African American chromosomes from a broad population by the NHLBI Exome Sequenc ing Project (dbSNP rs113952741).

Breakthrough Genomics
Classification: Benign. Review status: criteria provided, single submitter. Criteria: ACMG Guidelines, 2015. Collection method: not provided. Allele origin: germline. Inheritance: Autosomal recessive inheritance. Affected: yes.

Natera, Inc.
Classification: Benign for Nemaline myopathy type 2. Last evaluated: 2020-09-16. Review status: no assertion criteria provided. Collection method: clinical testing. Allele origin: germline. Not counted in ClinVar's aggregate classification.

Genetic Services Laboratory, University of Chicago
Classification: Likely benign for AllHighlyPenetrant. Review status: no assertion criteria provided. Collection method: clinical testing. Allele origin: germline. Inheritance: Autosomal recessive inheritance. Not counted in ClinVar's aggregate classification.
Comment: Likely benign based on allele frequency in 1000 Genomes Project or ESP global frequency and its presence in a patient with a rare or unrelated disease phenotype. NOT Sanger confirmed.

NM_001164508.2(NEB):c.8592T>C (p.Asp2864=)

Gene: NEB (nebulin; minus strand). Cytogenetic location: 2q23.3.
Variant type: single nucleotide variant.
Coding change: c.8592T>C on transcript NM_001164508.2 (MANE Select); coding-DNA position 8592, T replaced by C.
Protein change: p.Asp2864=; no amino-acid change (aspartic acid 2864 retained).
Molecular consequence: synonymous variant.
Genome position (GRCh38, 1-based): chr2:151,640,448, A>G on the plus strand (T>C on the coding strand, the complement: NEB is on the minus strand). VCF-style: chr2-151640448-A-G. GRCh37 (hg19) VCF-style: chr2-152496962-A-G.
Other names: c.8592T>C, p.Asp2864= (NM_001164507.2, NM_001271208.2, NM_004543.5).
Identifiers: ClinVar variation 129760 (VCV000129760.30), dbSNP rs61730772, ClinGen allele CA154043.